The following is an entry in ClinVar:

NM_020975.6(RET):c.2607+5G>C

Gene: RET (ret proto-oncogene; plus strand). Cytogenetic location: 10q11.21.
Variant type: single nucleotide variant.
Coding change: c.2607+5G>C on transcript NM_020975.6 (MANE Select); 5 bases into the intron after coding-DNA position 2607, G replaced by C.
Molecular consequence: intron variant.
Genome position (GRCh38, 1-based): chr10:43,119,750, G>C. VCF-style: chr10-43119750-G-C. GRCh37 (hg19) VCF-style: chr10-43615198-G-C.
Other names: c.2607+5G>C (NM_020630.7, NM_001406743.1, NM_001406744.1 and 2 more transcripts); c.2472+5G>C (NM_001406765.1, NM_001406763.1); c.2211+5G>C (NM_001406772.1, NM_001406769.1); c.2169+5G>C (NM_001406773.1, NM_001406771.1); c.1710+5G>C (NM_001406782.1, NM_001406780.1, NM_001406779.1 and 1 more transcripts); c.1575+5G>C (NM_001406787.1); c.1590+5G>C (NM_001406785.1); c.2478+5G>C (NM_001406764.1, NM_001406762.1, NM_001406761.1); and 10 more.
Identifiers: ClinVar variation 3432249 (VCV003432249.3).

ClinVar aggregate classification (germline): Uncertain significance. Review status: criteria provided, multiple submitters, no conflicts (2 of 4 stars). 2 submissions from 2 submitters: Uncertain significance (2). Last evaluated 2024-09-04.

Conditions:
Hereditary cancer-predisposing syndrome. Also called: Neoplastic Syndromes, Hereditary; Tumor predisposition; Hereditary Cancer Syndrome; Hereditary neoplastic syndrome. Identifiers: Orphanet 140162, MedGen C0027672, MeSH D009386, MONDO:0015356.
Multiple endocrine neoplasia, type 2 (MEN2). Identifiers: Orphanet 653, MedGen C4048306, MONDO:0019003. Disease mechanism: gain of function.

Submissions (2):

Labcorp Genetics (formerly Invitae), Labcorp
Classification: Uncertain significance for Multiple endocrine neoplasia, type 2. Last evaluated: 2024-09-04. Review status: criteria provided, single submitter. Criteria: Invitae Variant Classification Sherloc (09022015). Collection method: clinical testing. Allele origin: germline.
Comment: This sequence change falls in intron 14 of the RET gene. It does not directly change the encoded amino acid sequence of the RET protein. It affects a nucleotide within the consensus splice site. This variant is not present in population databases (gnomAD no frequency). This variant has not been reported in the literature in individuals affected with RET-related conditions. Variants that disrupt the consensus splice site are a relatively common cause of aberrant splicing (PMID: 17576681, 9536098). Algorithms developed to predict the effect of sequence changes on RNA splicing suggest that this variant may disrupt the consensus splice site. In summary, the available evidence is currently insufficient to determine the role of this variant in disease. Therefore, it has been classified as a Variant of Uncertain Significance.

Ambry Genetics
Classification: Uncertain significance for Hereditary cancer-predisposing syndrome. Last evaluated: 2024-08-27. Review status: criteria provided, single submitter. Criteria: Ambry Variant Classification Scheme 2023. Collection method: clinical testing. Allele origin: germline.
Comment: The c.2607+5G>C intronic variant results from a G to C substitution 5 nucleotides after coding exon 14 in the RET gene. This nucleotide position is well conserved in available vertebrate species. In silico splice site analysis predicts that this alteration will not have any significant effect on splicing. Based on the available evidence, the clinical significance of this variant remains unclear.

Literature cited by the submitters: PubMed 17576681 (cited by Labcorp Genetics (formerly Invitae), Labcorp); PubMed 9536098 (cited by Labcorp Genetics (formerly Invitae), Labcorp).